The following is an entry in ClinVar:

NM_006580.4(CLDN16):c.*794T>C

Gene: CLDN16 (claudin 16; plus strand). Cytogenetic location: 3q28.
Variant type: single nucleotide variant.
Coding change: c.*794T>C on transcript NM_006580.4 (MANE Select); 794 bases downstream of the stop codon, T replaced by C.
Molecular consequence: 3 prime UTR variant.
Genome position (GRCh38, 1-based): chr3:190,410,830, T>C. VCF-style: chr3-190410830-T-C. GRCh37 (hg19) VCF-style: chr3-190128619-T-C.
Other names: c.*794T>C (NM_001378492.1, NM_001378493.1).
Identifiers: ClinVar variation 344459 (VCV000344459.6), dbSNP rs2293532, ClinGen allele CA10615948.

ClinVar aggregate classification (germline): Benign. Review status: criteria provided, multiple submitters, no conflicts (2 of 4 stars). 2 submissions from 2 submitters: Benign (2). Last evaluated 2018-01-13.

Conditions:
Primary hypomagnesemia (HOMG3). Also called: HYPOMAGNESEMIA 3, RENAL; HYPOMAGNESEMIA, FAMILIAL, WITH HYPERCALCIURIA AND NEPHROCALCINOSIS; HYPOMAGNESEMIA, ISOLATED RENAL; HYPOMAGNESEMIA, PRIMARY, DUE TO DEFECT IN RENAL TUBULAR TRANSPORT OF MAGNESIUM. Identifiers: Orphanet 31043, MedGen C0268448, MONDO:0009550, OMIM 248250.

Allele frequency attached by ClinVar (database versions not stated): 1000 Genomes Project 0.18470; 1000 Genomes Project 30x 0.18848; TOPMed 0.19312; gnomAD 0.19422 and 0.19740.

Submissions (2):

Illumina Laboratory Services, Illumina
Classification: Benign for Primary hypomagnesemia. Last evaluated: 2018-01-13. Review status: criteria provided, single submitter. Criteria: ICSL Variant Classification Criteria 13 December 2019. Collection method: clinical testing. Allele origin: germline.
Comment: This variant was observed in the ICSL laboratory as part of a predisposition screen in an ostensibly healthy population. It had not been previously curated by ICSL or reported in the Human Gene Mutation Database (HGMD: prior to June 1st, 2018), and was therefore a candidate for classification through an automated scoring system. Utilizing variant allele frequency, disease prevalence and penetrance estimates, and inheritance mode, an automated score was calculated to assess if this variant is too frequent to cause the disease. Based on the score and internal cut-off values, a variant classified as benign is not then subjected to further curation. The score for this variant resulted in a classification of benign for this disease.

Breakthrough Genomics
Classification: Benign. Review status: criteria provided, single submitter. Criteria: ACMG Guidelines, 2015. Collection method: not provided. Allele origin: germline. Inheritance: Autosomal recessive inheritance. Affected: yes.